The following is an entry in ClinVar:

ClinVar aggregate classification (germline): Uncertain significance (1 of 4 stars; one submission).

Conditions:
Familial adenomatous polyposis 1 (FAP1). Also called: FAMILIAL ADENOMATOUS POLYPOSIS 1, ATTENUATED; POLYPOSIS, ADENOMATOUS INTESTINAL. Identifiers: MedGen C2713442, MONDO:0021056, OMIM 175100. Disease mechanism: loss of function.

Submission:

Labcorp Genetics (formerly Invitae), Labcorp
Classification: Uncertain significance for Familial adenomatous polyposis 1. Last evaluated: 2019-12-16. Review status: criteria provided, single submitter. Criteria: Invitae Variant Classification Sherloc (09022015). Collection method: clinical testing. Allele origin: germline.
Comment: This variant has not been reported in the literature in individuals with APC-related conditions. The frequency data for this variant in the population databases is considered unreliable, as metrics indicate insufficient coverage at this position in the ExAC database. This variant occurs in a non-coding region of the APC gene. It does not change the encoded amino acid sequence of the APC protein. Experimental studies and prediction algorithms are not available for this variant, and the functional significance of this non-coding change is currently unknown. In summary, the available evidence is currently insufficient to determine the role of this variant in disease. Therefore, it has been classified as a Variant of Uncertain Significance.

NM_001127511.3(APC):c.-126_-125insT

Gene: APC (APC regulator of Wnt signaling pathway; plus strand). Cytogenetic location: 5q22.2.
Variant type: Insertion.
Coding change: c.-126_-125insT on transcript NM_001127511.3; 126 bases upstream of the start codon through 125 bases upstream of the start codon, T inserted.
Molecular consequence: 5 prime UTR variant. On other transcripts: non-coding transcript variant (2).
Genome position: GRCh38 VCF-style: chr5-112707592-G-GT. GRCh37 (hg19) VCF-style: chr5-112043289-G-GT.
Other names: c.-309_-308insT (NM_001354895.2, NM_001407447.1, NM_001407452.1 and 3 more transcripts); c.-126_-125insT (NM_001354897.2, NM_001354902.2, NM_001407446.1); c.-76_-75insT (NM_001407448.1, NM_001407450.1, NM_001407457.1 and 1 more transcripts); c.-100_-99insT (NM_001407453.1); c.-1344_-1343insT (NM_001407470.1, NM_001407472.1).
Identifiers: ClinVar variation 1003899 (VCV001003899.47), dbSNP rs1750584693, ClinGen allele CA1573442505.